The following is an entry in ClinVar:

ClinVar aggregate classification (germline): Conflicting classifications of pathogenicity. Review status: criteria provided, conflicting classifications (1 of 4 stars). 5 submissions from 5 submitters: Uncertain significance (2); Likely benign (2). 1 of the submissions does not count toward it. Last evaluated 2026-02-02.

Conditions:
Primary ciliary dyskinesia 14. Also called: CILIARY DYSKINESIA, PRIMARY, 14, WITH OR WITHOUT SITUS INVERSUS. Identifiers: Orphanet 244, MedGen C3151136, MONDO:0013434, OMIM 613807.
CCDC39-related disorder. Also called: CCDC39-related condition.
Primary ciliary dyskinesia. Also called: Ciliary dyskinesia. Identifiers: Orphanet 244, MedGen C0008780, MONDO:0016575, HP:0012265.

Allele frequency attached by ClinVar (database versions not stated): gnomAD exomes 0.00012 and 0.00028; ExAC 0.00025; 1000 Genomes Project 30x 0.00062; 1000 Genomes Project 0.00080; ESP Exome Variant Server 0.00093; gnomAD 0.00127 and 0.00136; TOPMed 0.00131.
gnomAD v4.1: 381 of 1,608,182 alleles (0.024%); highest among the groups gnomAD compares: African/African-American, 0.43%; 2 homozygotes.

Submissions (5):

Labcorp Genetics (formerly Invitae), Labcorp
Classification: Likely benign for Primary ciliary dyskinesia. Last evaluated: 2026-02-02. Review status: criteria provided, single submitter. Criteria: Invitae Variant Classification Sherloc (09022015). Collection method: clinical testing. Allele origin: germline.

Illumina Laboratory Services, Illumina
Classification: Uncertain significance for Primary ciliary dyskinesia 14. Last evaluated: 2018-01-13. Review status: criteria provided, single submitter. Criteria: ICSL Variant Classification Criteria 13 December 2019. Collection method: clinical testing. Allele origin: germline.

Ambry Genetics
Classification: Uncertain significance for Primary ciliary dyskinesia. Last evaluated: 2017-02-27. Review status: criteria provided, single submitter. Criteria: Ambry Variant Classification Scheme 2023. Collection method: clinical testing. Allele origin: germline.
Comment: The p.P652S variant (also known as c.1954C>T), located in coding exon 14 of the CCDC39 gene, results from a C to T substitution at nucleotide position 1954. The proline at codon 652 is replaced by serine, an amino acid with similar properties. This amino acid position is well conserved in available vertebrate species. In addition, this alteration is predicted to be tolerated by in silico analysis. Since supporting evidence is limited at this time, the clinical significance of this alteration remains unclear.

Laboratory for Molecular Medicine, Mass General Brigham Personalized Medicine
Classification: Likely benign. Last evaluated: 2013-02-21. Review status: criteria provided, single submitter. Criteria: LMM Criteria. Collection method: clinical testing. Allele origin: germline. Observed: 1 variant allele.
Comment: Pro652Ser in exon 14 of CCDC39: This variant is not expected to have clinical si gnificance because it has been identified in 2.1% (4/194) of Luhya (Kenyan) chro mosomes from a broad population by the 1000 Genomes Project (.; dbSNP rs145506099).

PreventionGenetics, part of Exact Sciences
Classification: Likely benign for CCDC39-related condition. Last evaluated: 2024-06-07. Review status: no assertion criteria provided. Collection method: clinical testing. Allele origin: germline. Not counted in ClinVar's aggregate classification.
Comment: This variant is classified as likely benign based on ACMG/AMP sequence variant interpretation guidelines (Richards et al. 2015 PMID: 25741868, with internal and published modifications).

NM_181426.2(CCDC39):c.1954C>T (p.Pro652Ser)

Gene: CCDC39 (coiled-coil domain 39 molecular ruler complex subunit; minus strand). Cytogenetic location: 3q26.33.
Variant type: single nucleotide variant.
Coding change: c.1954C>T on transcript NM_181426.2 (MANE Select); coding-DNA position 1954, C replaced by T.
Protein change: p.Pro652Ser; replaces proline 652 with serine.
Molecular consequence: missense variant.
Genome position (GRCh38, 1-based): chr3:180,631,513, G>A on the plus strand (C>T on the coding strand, the complement: CCDC39 is on the minus strand). VCF-style: chr3-180631513-G-A. GRCh37 (hg19) VCF-style: chr3-180349301-G-A.
Other names: short protein forms P652S.
Identifiers: ClinVar variation 667082 (VCV000667082.22), dbSNP rs145506099, ClinGen allele CA2715821.
Genomic context (GRCh38, chr3:180,631,513, plus strand): 5'-AATCAATTAAAATTACCTTTATTACATAATAGGCCTGTGTTTTCTCCTCTTCTCCTTCAG[G>A]AGGCAGCATAACAACAGTCAGAATTTCATATCTATTCTTCAGCTTCTCAATTTTACTTAG-3'
Protein context (NP_852091.1, residues 642-662): YEILTVVMLP[Pro652Ser]EGEEEKTQAY